The following is an entry in ClinVar:

ClinVar aggregate classification (germline): Uncertain significance. Review status: criteria provided, multiple submitters, no conflicts (2 of 4 stars). 3 submissions from 3 submitters: Uncertain significance (3). Last evaluated 2026-08-21.

Conditions:
Hereditary cancer-predisposing syndrome. Also called: Neoplastic Syndromes, Hereditary; Tumor predisposition; Hereditary Cancer Syndrome; Hereditary neoplastic syndrome. Identifiers: Orphanet 140162, MedGen C0027672, MeSH D009386, MONDO:0015356.
Hereditary nonpolyposis colorectal neoplasms. Identifiers: MedGen C0009405, MeSH D003123.

Submissions (3):

Ambry Genetics
Classification: Uncertain significance for Hereditary cancer-predisposing syndrome. Last evaluated: 2026-08-21. Review status: criteria provided, single submitter. Criteria: Ambry Variant Classification Scheme 2023. Collection method: clinical testing. Allele origin: germline.
Comment: The p.E819G variant (also known as c.2456A>G), located in coding exon 4 of the MSH6 gene, results from an A to G substitution at nucleotide position 2456. The glutamic acid at codon 819 is replaced by glycine, an amino acid with similar properties. This amino acid position is highly conserved in available vertebrate species. In addition, this alteration is predicted to be deleterious by in silico analysis. Based on the available evidence, the clinical significance of this variant remains unclear.

Labcorp Genetics (formerly Invitae), Labcorp
Classification: Uncertain significance for Hereditary nonpolyposis colorectal neoplasms. Last evaluated: 2025-11-06. Review status: criteria provided, single submitter. Criteria: Invitae Variant Classification Sherloc (09022015). Collection method: clinical testing. Allele origin: germline.
Comment: This sequence change replaces glutamic acid, which is acidic and polar, with glycine, which is neutral and non-polar, at codon 819 of the MSH6 protein (p.Glu819Gly). This variant is not present in population databases (gnomAD no frequency). This variant has not been reported in the literature in individuals affected with MSH6-related conditions. ClinVar contains an entry for this variant (Variation ID: 1171916). Invitae Evidence Modeling of protein sequence and biophysical properties (such as structural, functional, and spatial information, amino acid conservation, physicochemical variation, residue mobility, and thermodynamic stability) indicates that this missense variant is expected to disrupt MSH6 protein function with a positive predictive value of 80%. In summary, the available evidence is currently insufficient to determine the role of this variant in disease. Therefore, it has been classified as a Variant of Uncertain Significance.

Color Diagnostics, LLC DBA Color Health
Classification: Uncertain significance for Hereditary cancer-predisposing syndrome. Last evaluated: 2024-03-06. Review status: criteria provided, single submitter. Criteria: ACMG Guidelines, 2015. Collection method: clinical testing. Allele origin: germline.
Comment: This missense variant replaces glutamic acid with glycine at codon 819 of the MSH6 protein. Computational prediction suggests that this variant may have deleterious impact on protein structure and function (internally defined REVEL score threshold >= 0.7, PMID: 27666373). To our knowledge, functional studies have not been reported for this variant. This variant has not been reported in individuals affected with hereditary cancer in the literature. This variant has not been identified in the general population by the Genome Aggregation Database (gnomAD). The available evidence is insufficient to determine the role of this variant in disease conclusively. Therefore, this variant is classified as a Variant of Uncertain Significance.

NM_000179.3(MSH6):c.2456A>G (p.Glu819Gly)

Gene: MSH6 (mutS homolog 6; plus strand). Cytogenetic location: 2p16.3.
Variant type: single nucleotide variant.
Coding change: c.2456A>G on transcript NM_000179.3 (MANE Select); coding-DNA position 2456, A replaced by G.
Protein change: p.Glu819Gly; replaces glutamic acid 819 with glycine.
Molecular consequence: missense variant.
Genome position (GRCh38, 1-based): chr2:47,800,439, A>G. VCF-style: chr2-47800439-A-G. GRCh37 (hg19) VCF-style: chr2-48027578-A-G.
Other names: c.2066A>G, p.Glu689Gly (NM_001281492.2); c.1550A>G, p.Glu517Gly (NM_001281493.2, NM_001281494.2); short protein forms E517G, E689G, E819G.
Identifiers: ClinVar variation 1171916 (VCV001171916.6), dbSNP rs2104407725, ClinGen allele CA346754081.